The following is an entry in ClinVar:

ClinVar aggregate classification (germline): Uncertain significance (1 of 4 stars; one submission).

Allele frequency attached by ClinVar (database versions not stated): gnomAD exomes below 0.00001; TOPMed 0.00001.
gnomAD v4.1: 1 of 1,614,056 alleles (0.000062%); highest among the groups gnomAD compares: Admixed American, 0.0017%; no homozygotes.

Submission:

GeneDx
Classification: Uncertain significance. Last evaluated: 2022-05-05. Review status: criteria provided, single submitter. Criteria: GeneDx Variant Classification Process June 2021. Collection method: clinical testing. Allele origin: germline. Affected: yes.
Comment: Not observed at significant frequency in large population cohorts (gnomAD); In silico analysis supports that this missense variant does not alter protein structure/function; Previously reported as an inherited variant in an individual with autism, however additional phenotypic and family history information were not provided. (Guo et al., 2018); This variant is associated with the following publications: (PMID: 30564305)

NM_001148.6(ANK2):c.6880G>A (p.Ala2294Thr)

Genes: ANK2 (ankyrin 2; plus strand), LOC126807137 (CDK7 strongly-dependent group 2 enhancer GRCh37_chr4:114276560-114277759; plus strand). Cytogenetic location: 4q26.
Variant type: single nucleotide variant.
Coding change: c.6880G>A on transcript NM_001148.6 (MANE Select); coding-DNA position 6880, G replaced by A.
Protein change: p.Ala2294Thr; replaces alanine 2294 with threonine.
Molecular consequence: missense variant. On other transcripts: intron variant (68).
Genome position (GRCh38, 1-based): chr4:113,355,498, G>A. VCF-style: chr4-113355498-G-A. GRCh37 (hg19) VCF-style: chr4-114276654-G-A.
Other names: c.6646G>A, p.Ala2216Thr (NM_001386142.1); c.3280G>A, p.Ala1094Thr (NM_001386166.1); c.7021G>A, p.Ala2341Thr (NM_001386174.1); c.6997G>A, p.Ala2333Thr (NM_001386175.1); c.4411+5249G>A (NM_001386186.2, NM_001386148.2); c.4213+5249G>A (NM_001354269.3); c.4291+5249G>A (NM_001386187.2); c.4252+5249G>A (NM_001386147.1); and 35 more; short protein forms A1094T, A2216T, A2294T, A2333T, A2341T.
Identifiers: ClinVar variation 1722985 (VCV001722985.2), dbSNP rs2095696591, ClinGen allele CA357928526.